The following is an entry in ClinVar:

ClinVar aggregate classification (germline): Uncertain significance (1 of 4 stars; one submission).

Allele frequency attached by ClinVar (database versions not stated): gnomAD exomes below 0.00001; TOPMed 0.00002.

Submission:

Labcorp Genetics (formerly Invitae), Labcorp
Classification: Uncertain significance. Last evaluated: 2022-06-26. Review status: criteria provided, single submitter. Criteria: Invitae Variant Classification Sherloc (09022015). Collection method: clinical testing. Allele origin: germline.
Comment: In summary, the available evidence is currently insufficient to determine the role of this variant in disease. Therefore, it has been classified as a Variant of Uncertain Significance. Algorithms developed to predict the effect of missense changes on protein structure and function (SIFT, PolyPhen-2, Align-GVGD) all suggest that this variant is likely to be tolerated. This variant has not been reported in the literature in individuals affected with C17orf62-related conditions. This variant is not present in population databases (gnomAD no frequency). This sequence change replaces serine, which is neutral and polar, with threonine, which is neutral and polar, at codon 10 of the C17orf62 protein (p.Ser10Thr).

NM_001033046.4(CYBC1):c.29G>C (p.Ser10Thr)

Gene: CYBC1 (cytochrome b-245 chaperone 1; minus strand). Cytogenetic location: 17q25.3.
Variant type: single nucleotide variant.
Coding change: c.29G>C on transcript NM_001033046.4 (MANE Select); coding-DNA position 29, G replaced by C.
Protein change: p.Ser10Thr; replaces serine 10 with threonine.
Molecular consequence: missense variant. On other transcripts: non-coding transcript variant (1).
Genome position (GRCh38, 1-based): chr17:82,449,226, C>G on the plus strand (G>C on the coding strand, the complement: CYBC1 is on the minus strand). VCF-style: chr17-82449226-C-G. GRCh37 (hg19) VCF-style: chr17-80407102-C-G.
Other names: c.29G>C, p.Ser10Thr (NM_001100407.3, NM_001100408.3, NM_001193653.2 and 3 more transcripts); short protein forms S10T.
Identifiers: ClinVar variation 2109606 (VCV002109606.2), dbSNP rs2054457552, ClinGen allele CA401609422.